The following is an entry in ClinVar:

NM_001999.4(FBN2):c.181C>T (p.Pro61Ser)

Gene: FBN2 (fibrillin 2; minus strand). Cytogenetic location: 5q23.3.
Variant type: single nucleotide variant.
Coding change: c.181C>T on transcript NM_001999.4 (MANE Select); coding-DNA position 181, C replaced by T.
Protein change: p.Pro61Ser; replaces proline 61 with serine.
Molecular consequence: missense variant.
Genome position (GRCh38, 1-based): chr5:128,537,423, G>A on the plus strand (C>T on the coding strand, the complement: FBN2 is on the minus strand). VCF-style: chr5-128537423-G-A. GRCh37 (hg19) VCF-style: chr5-127873116-G-A.
Other names: short protein forms P61S.
Identifiers: ClinVar variation 4768202 (VCV004768202.1).

ClinVar aggregate classification (germline): Uncertain significance (1 of 4 stars; one submission).

Conditions:
Congenital contractural arachnodactyly (CCA). Also called: Beals-Hecht syndrome; BEALS SYNDROME; Arthrogryposis, distal, type 9. Identifiers: Orphanet 115, MedGen C0220668, MONDO:0007363, OMIM 121050.

gnomAD v4.1: 4 of 1,609,744 alleles (0.00025%); highest among the groups gnomAD compares: East Asian, 0.0089%; no homozygotes.

Submission:

Labcorp Genetics (formerly Invitae), Labcorp
Classification: Uncertain significance for Congenital contractural arachnodactyly. Last evaluated: 2025-10-05. Review status: criteria provided, single submitter. Criteria: Invitae Variant Classification Sherloc (09022015). Collection method: clinical testing. Allele origin: germline.
Comment: This sequence change replaces proline, which is neutral and non-polar, with serine, which is neutral and polar, at codon 61 of the FBN2 protein (p.Pro61Ser). This variant is not present in population databases (gnomAD no frequency). This variant has not been reported in the literature in individuals affected with FBN2-related conditions. Invitae Evidence Modeling of protein sequence and biophysical properties (such as structural, functional, and spatial information, amino acid conservation, physicochemical variation, residue mobility, and thermodynamic stability) indicates that this missense variant is not expected to disrupt FBN2 protein function with a negative predictive value of 95%. In summary, the available evidence is currently insufficient to determine the role of this variant in disease. Therefore, it has been classified as a Variant of Uncertain Significance.